The following is an entry in ClinVar:

ClinVar aggregate classification (germline): Uncertain significance (1 of 4 stars; one submission).

gnomAD v4.1: 5 of 1,614,076 alleles (0.00031%); highest among the groups gnomAD compares: Non-Finnish European, 0.00034%; no homozygotes.

Submission:

GeneDx
Classification: Uncertain significance. Last evaluated: 2026-04-15. Review status: criteria provided, single submitter. Criteria: GeneDx Variant Classification Process June 2021. Collection method: clinical testing. Allele origin: germline.
Comment: Not observed at significant frequency in large population cohorts (gnomAD); In silico analysis supports that this missense variant has a deleterious effect on protein structure/function; Has not been previously published as pathogenic or benign to our knowledge

NM_001270.4(CHD1):c.3359G>T (p.Arg1120Leu)

Gene: CHD1 (chromodomain helicase DNA binding protein 1; minus strand). Cytogenetic location: 5q15.
Variant type: single nucleotide variant.
Coding change: c.3359G>T on transcript NM_001270.4 (MANE Select); coding-DNA position 3359, G replaced by T.
Protein change: p.Arg1120Leu; replaces arginine 1120 with leucine.
Molecular consequence: missense variant. On other transcripts: non-coding transcript variant (2).
Genome position (GRCh38, 1-based): chr5:98,876,437, C>A on the plus strand (G>T on the coding strand, the complement: CHD1 is on the minus strand). VCF-style: chr5-98876437-C-A. GRCh37 (hg19) VCF-style: chr5-98212141-C-A.
Other names: c.3359G>T, p.Arg1120Leu (NM_001364113.3, NM_001376194.2); short protein forms R1120L.
Identifiers: ClinVar variation 5037239 (VCV005037239.1).